The following is an entry in ClinVar:

ClinVar aggregate classification (germline): Uncertain significance (1 of 4 stars; one submission).

Conditions:
Inborn genetic diseases. Identifiers: MedGen C0950123, MeSH D030342.

gnomAD v4.1: 1 of 1,296,924 alleles (0.000077%); highest among the groups gnomAD compares: East Asian, 0.0032%; no homozygotes.

Submission:

Ambry Genetics
Classification: Uncertain significance for Inborn genetic diseases. Last evaluated: 2025-04-24. Review status: criteria provided, single submitter. Criteria: Ambry Variant Classification Scheme 2023. Collection method: clinical testing. Allele origin: germline.
Comment: The p.P219S variant (also known as c.655C>T), located in coding exon 1 of the SMAD6 gene, results from a C to T substitution at nucleotide position 655. The proline at codon 219 is replaced by serine, an amino acid with similar properties. This amino acid position is conserved. In addition, this alteration is predicted to be tolerated by in silico analysis. Based on the available evidence, the clinical significance of this variant remains unclear.

NM_005585.5(SMAD6):c.655C>T (p.Pro219Ser)

Gene: SMAD6 (SMAD family member 6; plus strand). Cytogenetic location: 15q22.31.
Variant type: single nucleotide variant.
Coding change: c.655C>T on transcript NM_005585.5 (MANE Select); coding-DNA position 655, C replaced by T.
Protein change: p.Pro219Ser; replaces proline 219 with serine.
Molecular consequence: missense variant. On other transcripts: non-coding transcript variant (1).
Genome position (GRCh38, 1-based): chr15:66,703,913, C>T. VCF-style: chr15-66703913-C-T. GRCh37 (hg19) VCF-style: chr15-66996251-C-T.
Other names: short protein forms P219S.
Identifiers: ClinVar variation 3958360 (VCV003958360.1).
Genomic context (GRCh38, chr15:66,703,913, plus strand): 5'-GGCGGCGTGCCGGGCGGCTGCGTGCTGGTGCCGCGCGCCGACCTCCGCCTGGGCGGCCAG[C>T]CCGCGCCGCCGCAGCTGCTGCTCGGCCGCCTCTTTCGCTGGCCCGACCTGCAGCACGCCG-3'
Protein context (NP_005576.3, residues 209-229): PRADLRLGGQ[Pro219Ser]APPQLLLGRL